The following is an entry in ClinVar:

ClinVar aggregate classification (germline): Uncertain significance. Review status: criteria provided, multiple submitters, no conflicts (2 of 4 stars). 7 submissions from 7 submitters: Uncertain significance (6). 1 of the submissions does not count toward it. Last evaluated 2025-12-06.

Conditions:
Hypertrophic cardiomyopathy. Also called: HYPERTROPHIC MYOCARDIOPATHY. Identifiers: Orphanet 217569, MedGen C0007194, MeSH D002312, MONDO:0005045, HP:0001639.
Cardiofaciocutaneous syndrome 1 (CFC1). Also called: BRAF-Related Cardiofaciocutaneous Syndrome. Identifiers: Orphanet 1340, MedGen CN029449, MONDO:0007265, OMIM 115150. Disease mechanism: gain of function.
Noonan syndrome 7 (NS7). Also called: BRAF-Related Noonan Syndrome. Identifiers: Orphanet 648, MedGen C3150970, MONDO:0013379, OMIM 613706.
Colorectal cancer. Also called: Colorectal cancer, somatic; Malignant Colorectal Neoplasm. Identifiers: MedGen C0346629, MONDO:0005575, OMIM 114500.
Noonan syndrome 1 (NS1). Also called: PTPN11-Related Noonan Syndrome; FEMALE PSEUDO-TURNER SYNDROME; TURNER PHENOTYPE WITH NORMAL KARYOTYPE. Identifiers: Orphanet 648, MedGen C4551602, MONDO:0008104, OMIM 163950. Disease mechanism: gain of function.
Melanoma, cutaneous malignant, susceptibility to, 1 (CMM1). Also called: DYSPLASTIC NEVUS SYNDROME, HEREDITARY; B-K MOLE SYNDROME; MELANOMA, MALIGNANT; FAMILIAL ATYPICAL MOLE-MALIGNANT MELANOMA SYNDROME. Identifiers: Orphanet 618, MedGen C1835047, MONDO:0007963, OMIM 155600.
LEOPARD syndrome 3 (LPRD3). Identifiers: Orphanet 500, MedGen C3150971, MONDO:0013380, OMIM 613707.
Lung cancer. Also called: Lung cancer, somatic; Malignant tumor of lung. Identifiers: MedGen C0242379, MONDO:0008903, OMIM 211980.
Noonan syndrome and Noonan-related syndrome. Identifiers: Orphanet 98733, MedGen C5681679, MONDO:0020297.
Noonan syndrome (NS). Also called: Noonan's syndrome. Identifiers: Orphanet 648, MedGen C0028326, MeSH D009634, MONDO:0018997. Disease mechanism: gain of function.
RASopathy. Also called: Noonan spectrum disorder; rasopathies. Identifiers: Orphanet 536391, MedGen C5555857, MONDO:0021060.

Allele frequency attached by ClinVar (database versions not stated): ExAC 0.00002.
gnomAD v4.1: 49 of 1,614,042 alleles (0.003%); highest among the groups gnomAD compares: Middle Eastern, 0.033%; no homozygotes.

Submissions (7):

Labcorp Genetics (formerly Invitae), Labcorp
Classification: Uncertain significance for RASopathy. Last evaluated: 2025-12-06. Review status: criteria provided, single submitter. Criteria: Invitae Variant Classification Sherloc (09022015). Collection method: clinical testing. Allele origin: germline.
Comment: This sequence change replaces proline, which is neutral and non-polar, with histidine, which is basic and polar, at codon 402 of the BRAF protein (p.Pro402His). This variant is present in population databases (rs199927105, gnomAD 0.006%). This variant has not been reported in the literature in individuals affected with BRAF-related conditions. ClinVar contains an entry for this variant (Variation ID: 691718). Invitae Evidence Modeling of protein sequence and biophysical properties (such as structural, functional, and spatial information, amino acid conservation, physicochemical variation, residue mobility, and thermodynamic stability) indicates that this missense variant is not expected to disrupt BRAF protein function with a negative predictive value of 80%. In summary, the available evidence is currently insufficient to determine the role of this variant in disease. Therefore, it has been classified as a Variant of Uncertain Significance.

GeneDx
Classification: Uncertain significance. Last evaluated: 2024-12-31. Review status: criteria provided, single submitter. Criteria: GeneDx Variant Classification Process June 2021. Collection method: clinical testing. Allele origin: germline. Affected: yes.
Comment: Missense variants in this gene are a common cause of disease and they are underrepresented in the general population; In silico analysis supports that this missense variant has a deleterious effect on protein structure/function; Has not been previously published as pathogenic or benign to our knowledge; This variant is associated with the following publications: (PMID: 27478437, 29054983)

Fulgent Genetics
Classification: Uncertain significance for Colorectal cancer; Cardiofaciocutaneous syndrome 1; Melanoma, cutaneous malignant, susceptibility to, 1; Noonan syndrome 1; Lung cancer; Noonan syndrome 7; LEOPARD syndrome 3. Last evaluated: 2022-05-19. Review status: criteria provided, single submitter. Criteria: ACMG Guidelines, 2015. Collection method: clinical testing. Allele origin: unknown.

Revvity Omics, Revvity
Classification: Uncertain significance. Last evaluated: 2020-12-10. Review status: criteria provided, single submitter. Criteria: ACMG Guidelines, 2015. Collection method: clinical testing. Allele origin: germline.

Genome Diagnostics Laboratory, The Hospital for Sick Children
Classification: Uncertain significance for Noonan syndrome and Noonan-related syndrome. Last evaluated: 2018-03-01. Review status: criteria provided, single submitter. Criteria: ACMG Guidelines, 2015. Collection method: clinical testing. Allele origin: germline.

Center for Advanced Laboratory Medicine, UC San Diego Health, University of California San Diego
Classification: Uncertain significance for Hypertrophic cardiomyopathy. Last evaluated: 2017-10-05. Review status: criteria provided, single submitter. Criteria: ACMG Guidelines, 2015. Collection method: clinical testing. Allele origin: germline. Affected: yes. Observed: 1 variant allele.

Service de Génétique Moléculaire, Hôpital Robert Debré
Classification: Uncertain significance for Noonan syndrome. Review status: no assertion criteria provided. Collection method: clinical testing. Allele origin: unknown. Affected: yes. Not counted in ClinVar's aggregate classification.

NM_004333.6(BRAF):c.1205C>A (p.Pro402His)

Gene: BRAF (B-Raf proto-oncogene, serine/threonine kinase; minus strand). Cytogenetic location: 7q34.
Variant type: single nucleotide variant.
Coding change: c.1205C>A on transcript NM_004333.6 (MANE Select); coding-DNA position 1205, C replaced by A.
Protein change: p.Pro402His; replaces proline 402 with histidine.
Molecular consequence: missense variant. On other transcripts: intron variant (2).
Genome position (GRCh38, 1-based): chr7:140,783,130, G>T on the plus strand (C>A on the coding strand, the complement: BRAF is on the minus strand). VCF-style: chr7-140783130-G-T. GRCh37 (hg19) VCF-style: chr7-140482930-G-T.
Other names: c.1205C>A, p.Pro402His (NM_001354609.2, NM_001378468.1, NM_001378474.1); c.1325C>A, p.Pro442His (NM_001374244.1, NM_001374258.1); c.1214C>A, p.Pro405His (NM_001378467.1); c.1103C>A, p.Pro368His (NM_001378470.1); c.1049C>A, p.Pro350His (NM_001378472.1, NM_001378473.1); c.941C>A, p.Pro314His (NM_001378475.1); c.1141-47C>A (NM_001378471.1); c.1178-39C>A (NM_001378469.1); short protein forms P402H, P314H, P350H, P368H, P405H, P442H.
Identifiers: ClinVar variation 691718 (VCV000691718.15), dbSNP rs199927105, ClinGen allele CA4516776.